The following is an entry in ClinVar:

NM_001298.3(CNGA3):c.2054A>G (p.Asp685Gly)

Gene: CNGA3 (cyclic nucleotide gated channel subunit alpha 3; plus strand). Cytogenetic location: 2q11.2.
Variant type: single nucleotide variant.
Coding change: c.2054A>G on transcript NM_001298.3 (MANE Select); coding-DNA position 2054, A replaced by G.
Protein change: p.Asp685Gly; replaces aspartic acid 685 with glycine.
Molecular consequence: missense variant.
Genome position (GRCh38, 1-based): chr2:98,397,224, A>G. VCF-style: chr2-98397224-A-G. GRCh37 (hg19) VCF-style: chr2-99013687-A-G.
Other names: c.2000A>G, p.Asp667Gly (NM_001079878.2); short protein forms D667G, D685G.
Identifiers: ClinVar variation 2092413 (VCV002092413.4), dbSNP rs748631419, ClinGen allele CA1794141.
Genomic context (GRCh38, chr2:98,397,224, plus strand): 5'-TGGAAAGCCAGGTGAAGGGTGGTGGGGACAAGCCCCTGGCTGATGGGGAAGTTCCCGGGG[A>G]TGCTACAAAAACAGAGGACAAACAACAGTGAAAATGCAGCATCTGTCTCCTGCTTCACAG-3'
Protein context (NP_001289.1, residues 675-694): KPLADGEVPG[Asp685Gly]ATKTEDKQQ

ClinVar aggregate classification (germline): Uncertain significance (1 of 4 stars; one submission).

Allele frequency attached by ClinVar (database versions not stated): ExAC 0.00001; gnomAD 0.00001; gnomAD exomes 0.00001; TOPMed 0.00001.
gnomAD v4.1: 4 of 1,613,796 alleles (0.00025%); highest among the groups gnomAD compares: Admixed American, 0.0067%; no homozygotes.

Submission:

Labcorp Genetics (formerly Invitae), Labcorp
Classification: Uncertain significance. Last evaluated: 2022-09-27. Review status: criteria provided, single submitter. Criteria: Invitae Variant Classification Sherloc (09022015). Collection method: clinical testing. Allele origin: germline.
Comment: In summary, the available evidence is currently insufficient to determine the role of this variant in disease. Therefore, it has been classified as a Variant of Uncertain Significance. Advanced modeling of protein sequence and biophysical properties (such as structural, functional, and spatial information, amino acid conservation, physicochemical variation, residue mobility, and thermodynamic stability) performed at Invitae indicates that this missense variant is not expected to disrupt CNGA3 protein function. This missense change has been observed in individual(s) with clinical features of cone-rod dystrophy (Invitae). In at least one individual the data is consistent with being in trans (on the opposite chromosome) from a pathogenic variant. This variant is present in population databases (rs748631419, gnomAD 0.009%). This sequence change replaces aspartic acid, which is acidic and polar, with glycine, which is neutral and non-polar, at codon 685 of the CNGA3 protein (p.Asp685Gly).